The following is an entry in ClinVar:

NM_001127671.2(LIFR):c.3288C>A (p.Asn1096Lys)

Gene: LIFR (LIF receptor subunit alpha; minus strand). Cytogenetic location: 5p13.1.
Variant type: single nucleotide variant.
Coding change: c.3288C>A on transcript NM_001127671.2 (MANE Select); coding-DNA position 3288, C replaced by A.
Protein change: p.Asn1096Lys; replaces asparagine 1096 with lysine.
Molecular consequence: missense variant.
Genome position (GRCh38, 1-based): chr5:38,481,601, G>T on the plus strand (C>A on the coding strand, the complement: LIFR is on the minus strand). VCF-style: chr5-38481601-G-T. GRCh37 (hg19) VCF-style: chr5-38481703-G-T.
Other names: c.3288C>A, p.Asn1096Lys (NM_002310.6, NM_001364297.2); c.3255C>A, p.Asn1085Lys (NM_001364298.2); short protein forms N1096K, N1085K.
Identifiers: ClinVar variation 353605 (VCV000353605.55), dbSNP rs3729751, ClinGen allele CA3242471.

ClinVar aggregate classification (germline): Conflicting classifications of pathogenicity. Review status: criteria provided, conflicting classifications (1 of 4 stars). 9 submissions from 9 submitters: Uncertain significance (3); Likely benign (3). 3 of the submissions do not count toward it. Last evaluated 2026-01-25.

Conditions:
Congenital anomaly of kidney and urinary tract. Also called: Congenital anomalies of the kidney and urinary tract; Congenital anomalies of kidney and urinary tract. Identifiers: Orphanet 93545, MedGen C1968949, MeSH C566906, MONDO:0019719.
LIFR-related disorder. Also called: LIFR-related condition.
Stüve-Wiedemann syndrome 1. Also called: STUVE-WIEDEMANN/SCHWARTZ-JAMPEL TYPE 2 SYNDROME. Identifiers: Orphanet 3206, MedGen C5676888, MONDO:0800043, OMIM 601559.
Stuve-Wiedemann syndrome (STWS). Also called: Stüve-Wiedemann syndrome. Identifiers: Orphanet 3206, MedGen C0796176, MONDO:0031280.

Allele frequency attached by ClinVar (database versions not stated): 1000 Genomes Project 30x 0.00031; 1000 Genomes Project 0.00040; TOPMed 0.00157.
gnomAD v4.1: 3,039 of 1,614,062 alleles (0.19%); highest among the groups gnomAD compares: Non-Finnish European, 0.23%; 4 homozygotes.

Submissions (9):

Labcorp Genetics (formerly Invitae), Labcorp
Classification: Likely benign. Last evaluated: 2026-01-25. Review status: criteria provided, single submitter. Criteria: Invitae Variant Classification Sherloc (09022015). Collection method: clinical testing. Allele origin: germline.

CeGaT Center for Human Genetics Tuebingen
Classification: Likely benign. Last evaluated: 2025-12-01. Review status: criteria provided, single submitter. Criteria: CeGaT Center For Human Genetics Tuebingen Variant Classification Criteria Version 2. Collection method: clinical testing. Allele origin: germline. Affected: yes. Observed: 3 variant alleles.
Comment: LIFR: BS2

GeneDx
Classification: Uncertain significance. Last evaluated: 2025-10-28. Review status: criteria provided, single submitter. Criteria: GeneDx Variant Classification Process June 2021. Collection method: clinical testing. Allele origin: germline. Affected: yes.
Comment: Identified in a patient with a congenital anomaly of the kidneys and urinary tract in published literature (PMID: 28334964); In silico analysis suggests that this missense variant does not alter protein structure/function; This variant is associated with the following publications: (PMID: 28334964, 34426522, 34217594, 26627873, 34063511)

Women's Health and Genetics/Laboratory Corporation of America, LabCorp
Classification: Uncertain significance. Last evaluated: 2024-01-11. Review status: criteria provided, single submitter. Criteria: LabCorp Variant Classification Summary - May 2015. Collection method: clinical testing. Allele origin: germline.
Comment: Variant summary: LIFR c.3288C>A (p.Asn1096Lys) results in a non-conservative amino acid change in the encoded protein sequence. Four of five in-silico tools predict a damaging effect of the variant on protein function. The variant allele was found at a frequency of 0.0015 in 250856 control chromosomes. The observed variant frequency is approximately 1.34 fold of the estimated maximal expected allele frequency for a pathogenic variant in LIFR causing Stuve-Wiedemann Syndrome phenotype (0.0011), suggesting that the variant may be benign. c.3288C>A has been reported in the literature in individuals affected with congenital anomalies of the kidneys and urinary tract (Kosfeld_2017). These report(s) do not provide unequivocal conclusions about association of the variant with Stuve-Wiedemann Syndrome. At least one publication reports experimental evidence evaluating an impact on protein function. The most pronounced variant effect results in >50%-90% of normal activity (Kosfeld_2017). ClinVar contains an entry for this variant (Variation ID: 353605). Based on the evidence outlined above, the variant was classified as VUS-possibly benign.

ARUP Laboratories, Molecular Genetics and Genomics, ARUP Laboratories
Classification: Uncertain significance for Stüve-Wiedemann syndrome 1. Last evaluated: 2022-04-14. Review status: criteria provided, single submitter. Criteria: ARUP Molecular Germline Variant Investigation Process 2021. Collection method: clinical testing. Allele origin: germline.
Comment: The LIFR c.3288C>A; p.Asn1096Lys variant (rs3729751) is reported in the literature in several individuals affected with urinary tract malformations as well as in a healthy parent (Kosfeld 2017), but it has not, to our knowledge, been reported in association with skeletal dysplasia. This variant is reported with discrepant classifications in the ClinVar database (Variation ID: 353605) and is found in the non-Finnish European population with an allele frequency of 0.28% (363/129,018 alleles) in the Genome Aggregation Database. The asparagine at codon 1096 is moderately conserved, and computational analyses are uncertain whether this variant is neutral or deleterious (REVEL: 0.251). Functional studies suggest the variant protein is expressed in the cell at wildtype levels but may exhibit slightly diminished cell-surface expression, although it is unclear if this difference is clinically significant (Kosfeld 2017). Due to limited information, the clinical significance of the p.Asn1096Lys variant is uncertain at this time. References: Kosfeld et al. Mutations in the leukemia inhibitory factor receptor (LIFR) gene and Lifr deficiency cause urinary tract malformations. Hum Mol Genet. 2017 May 1;26(9):1716-1731. PMID: 28334964.

Illumina Laboratory Services, Illumina
Classification: Likely benign for Stüve-Wiedemann syndrome 1. Last evaluated: 2018-01-13. Review status: criteria provided, single submitter. Criteria: ICSL Variant Classification Criteria 13 December 2019. Collection method: clinical testing. Allele origin: germline.
Comment: This variant was observed in the ICSL laboratory as part of a predisposition screen in an ostensibly healthy population. It had not been previously curated by ICSL or reported in the Human Gene Mutation Database (HGMD: prior to June 1st, 2018), and was therefore a candidate for classification through an automated scoring system. Utilizing variant allele frequency, disease prevalence and penetrance estimates, and inheritance mode, an automated score was calculated to assess if this variant is too frequent to cause the disease. Based on the score and internal cut-off values, a variant classified as likely benign is not then subjected to further curation. The score for this variant resulted in a classification of likely benign for this disease.

Weber Lab, Hannover Medical School
Classification: Uncertain significance for Congenital anomaly of kidney and urinary tract. Last evaluated: 2024-02-15. Review status: no assertion criteria provided. Criteria: "ACMG Guidelines, 2015". Collection method: research. Allele origin: germline. Affected: yes. Not counted in ClinVar's aggregate classification.

PreventionGenetics, part of Exact Sciences
Classification: Likely benign for LIFR-related condition. Last evaluated: 2022-05-10. Review status: no assertion criteria provided. Collection method: clinical testing. Allele origin: germline. Not counted in ClinVar's aggregate classification.
Comment: This variant is classified as likely benign based on ACMG/AMP sequence variant interpretation guidelines (Richards et al. 2015 PMID: 25741868, with internal and published modifications).

Natera, Inc.
Classification: Likely benign for Stuve-Wiedemann syndrome. Last evaluated: 2020-01-12. Review status: no assertion criteria provided. Collection method: clinical testing. Allele origin: germline. Not counted in ClinVar's aggregate classification.

Literature cited by the submitters: PubMed 34426522 (cited by Women's Health and Genetics/Laboratory Corporation of America, LabCorp); PubMed 26627873 (cited by Women's Health and Genetics/Laboratory Corporation of America, LabCorp); PubMed 34063511 (cited by Women's Health and Genetics/Laboratory Corporation of America, LabCorp); PubMed 28334964 (cited by Women's Health and Genetics/Laboratory Corporation of America, LabCorp and Weber Lab, Hannover Medical School).